The following is an entry in ClinVar:

ClinVar aggregate classification (germline): Uncertain significance. Review status: criteria provided, multiple submitters, no conflicts (2 of 4 stars). 2 submissions from 2 submitters: Uncertain significance (2). Last evaluated 2024-02-07.

Conditions:
Neuropathy, hereditary sensory and autonomic, type 2A (HSAN2A). Also called: ACROOSTEOLYSIS, GIACCAI TYPE; ACROOSTEOLYSIS, NEUROGENIC; WNK1-Related HSAN2 (HSAN2A); HSAN IIA; MORVAN DISEASE; NEUROPATHY, CONGENITAL SENSORY. Identifiers: Orphanet 970, MedGen C2752089, MONDO:0024309, OMIM 201300.
Generalized epilepsy with febrile seizures plus, type 7 (GEFSP7). Also called: GEFS+, TYPE 7. Identifiers: Orphanet 36387, MedGen C2751778, MONDO:0013470, OMIM 613863.

Submissions (2):

Labcorp Genetics (formerly Invitae), Labcorp
Classification: Uncertain significance for Neuropathy, hereditary sensory and autonomic, type 2A; Generalized epilepsy with febrile seizures plus, type 7. Last evaluated: 2024-02-07. Review status: criteria provided, single submitter. Criteria: Invitae Variant Classification Sherloc (09022015). Collection method: clinical testing. Allele origin: germline.
Comment: This sequence change replaces arginine, which is basic and polar, with glutamine, which is neutral and polar, at codon 429 of the SCN9A protein (p.Arg429Gln). This variant is present in population databases (no rsID available, gnomAD 0.001%). This variant has not been reported in the literature in individuals affected with SCN9A-related conditions. ClinVar contains an entry for this variant (Variation ID: 425231). An algorithm developed to predict the effect of missense changes on protein structure and function (PolyPhen-2) suggests that this variant is likely to be tolerated. In summary, the available evidence is currently insufficient to determine the role of this variant in disease. Therefore, it has been classified as a Variant of Uncertain Significance.

CeGaT Center for Human Genetics Tuebingen
Classification: Uncertain significance. Last evaluated: 2016-09-30. Review status: criteria provided, single submitter. Criteria: Praxis fuer Humangenetik Tuebingen - Variant Classification Criteria. Collection method: clinical testing. Allele origin: germline. Affected: yes. Observed: 2 variant alleles.

NM_001365536.1(SCN9A):c.1286_1287delinsAA (p.Arg429Gln)

Genes: SCN1A-AS1 (SCN1A and SCN9A antisense RNA 1; plus strand), SCN9A (sodium voltage-gated channel alpha subunit 9; minus strand). Cytogenetic location: 2q24.3.
Variant type: Indel.
Coding change: c.1286_1287delinsAA on transcript NM_001365536.1 (MANE Select); coding-DNA positions 1286 to 1287, GT replaced by AA.
Protein change: p.Arg429Gln; replaces arginine 429 with glutamine.
Molecular consequence: missense variant.
Genome position (GRCh38, 1-based): chr2:166,288,464-166,288,465, AC replaced by TT on the plus strand (GT replaced by AA on the coding strand, the reverse complement: SCN9A is on the minus strand). VCF-style: chr2-166288464-AC-TT. GRCh37 (hg19) VCF-style: chr2-167144974-AC-TT.
Other names: c.1286_1287delGTinsAA, p.Arg429Gln (NM_002977.4); short protein forms R429Q.
Identifiers: ClinVar variation 425231 (VCV000425231.8), dbSNP rs1064797268, ClinGen allele CA16621770.